The following is an entry in ClinVar:

NM_001112741.2(KCNC1):c.511C>T (p.Arg171Cys)

Gene: KCNC1 (potassium voltage-gated channel subfamily C member 1; plus strand). Cytogenetic location: 11p15.1.
Variant type: single nucleotide variant.
Coding change: c.511C>T on transcript NM_001112741.2 (MANE Select); coding-DNA position 511, C replaced by T.
Protein change: p.Arg171Cys; replaces arginine 171 with cysteine.
Molecular consequence: missense variant.
Genome position (GRCh38, 1-based): chr11:17,736,513, C>T. VCF-style: chr11-17736513-C-T. GRCh37 (hg19) VCF-style: chr11-17758060-C-T.
Other names: c.511C>T, p.Arg171Cys (NM_004976.4); short protein forms R171C.
Identifiers: ClinVar variation 1020341 (VCV001020341.8), dbSNP rs1286632713, ClinGen allele CA379801880.
Genomic context (GRCh38, chr11:17,736,513, plus strand): 5'-ATGACCAAGCGCCTGGCGCTCAGTGACTCCCCGGATGGCCGGCCTGGCGGCTTTTGGCGC[C>T]GCTGGCAGCCGCGCATCTGGGCGCTCTTCGAGGACCCGTACTCGTCCCGCTACGCGCGGG-3'
Protein context (NP_001106212.1, residues 161-181): PDGRPGGFWR[Arg171Cys]WQPRIWALFE

ClinVar aggregate classification (germline): Uncertain significance. Review status: criteria provided, multiple submitters, no conflicts (2 of 4 stars). 2 submissions from 2 submitters: Uncertain significance (2). Last evaluated 2025-04-08.

Conditions:
Progressive myoclonic epilepsy type 7. Identifiers: Orphanet 435438, MedGen C4015420, MONDO:0014521, OMIM 616187.

Allele frequency attached by ClinVar (database versions not stated): gnomAD 0.00001; TOPMed 0.00001; gnomAD exomes 0.00003.
gnomAD v4.1: 10 of 1,585,696 alleles (0.00063%); highest among the groups gnomAD compares: African/African-American, 0.0013%; no homozygotes.

Submissions (2):

Labcorp Genetics (formerly Invitae), Labcorp
Classification: Uncertain significance for Progressive myoclonic epilepsy type 7. Last evaluated: 2025-04-08. Review status: criteria provided, single submitter. Criteria: Invitae Variant Classification Sherloc (09022015). Collection method: clinical testing. Allele origin: germline.
Comment: This sequence change replaces arginine, which is basic and polar, with cysteine, which is neutral and slightly polar, at codon 171 of the KCNC1 protein (p.Arg171Cys). The frequency data for this variant in the population databases is considered unreliable, as metrics indicate poor data quality at this position in the gnomAD database. This variant has not been reported in the literature in individuals affected with KCNC1-related conditions. ClinVar contains an entry for this variant (Variation ID: 1020341). Invitae Evidence Modeling of protein sequence and biophysical properties (such as structural, functional, and spatial information, amino acid conservation, physicochemical variation, residue mobility, and thermodynamic stability) indicates that this missense variant is not expected to disrupt KCNC1 protein function with a negative predictive value of 80%. In summary, the available evidence is currently insufficient to determine the role of this variant in disease. Therefore, it has been classified as a Variant of Uncertain Significance.

Women's Health and Genetics/Laboratory Corporation of America, LabCorp
Classification: Uncertain significance. Last evaluated: 2025-03-12. Review status: criteria provided, single submitter. Criteria: LabCorp Variant Classification Summary - May 2015. Collection method: clinical testing. Allele origin: germline.
Comment: Variant summary: KCNC1 c.511C>T (p.Arg171Cys) results in a non-conservative amino acid change in the encoded protein sequence. Four of five in-silico tools predict a damaging effect of the variant on protein function. The variant allele was found at a frequency of 2.5e-05 in 198244 control chromosomes. The available data on variant occurrences in the general population are insufficient to allow any conclusion about variant significance. To our knowledge, no occurrence of c.511C>T in individuals affected with Epilepsy, Progressive Myoclonic 7 and no experimental evidence demonstrating its impact on protein function have been reported. ClinVar contains an entry for this variant (Variation ID: 1020341). Based on the evidence outlined above, the variant was classified as uncertain significance.